The following is an entry in ClinVar:

NC_000015.10:g.84817303G>A

Gene: ALPK3 (alpha kinase 3; plus strand). Cytogenetic location: 15q25.3.
Variant type: single nucleotide variant.
Genome position: GRCh38 VCF-style: chr15-84817303-G-A. GRCh37 (hg19) VCF-style: chr15-85360534-G-A.
Other names: short protein forms V153M.
Identifiers: ClinVar variation 1741631 (VCV001741631.5), dbSNP rs1963370333, ClinGen allele CA393368951.

ClinVar aggregate classification (germline): Uncertain significance. Review status: criteria provided, multiple submitters, no conflicts (2 of 4 stars). 2 submissions from 2 submitters: Uncertain significance (2). Last evaluated 2025-09-20.

Conditions:
Cardiovascular phenotype. Identifiers: MedGen CN230736.

Allele frequency attached by ClinVar (database versions not stated): gnomAD exomes below 0.00001.

Submissions (2):

Labcorp Genetics (formerly Invitae), Labcorp
Classification: Uncertain significance. Last evaluated: 2025-09-20. Review status: criteria provided, single submitter. Criteria: Invitae Variant Classification Sherloc (09022015). Collection method: clinical testing. Allele origin: germline.
Comment: This sequence change replaces valine, which is neutral and non-polar, with methionine, which is neutral and non-polar, at codon 153 of the ALPK3 protein (p.Val153Met). This variant is not present in population databases (gnomAD no frequency). This variant has not been reported in the literature in individuals affected with ALPK3-related conditions. ClinVar contains an entry for this variant (Variation ID: 1741631). An algorithm developed to predict the effect of missense changes on protein structure and function (PolyPhen-2) suggests that this variant is likely to be disruptive. In summary, the available evidence is currently insufficient to determine the role of this variant in disease. Therefore, it has been classified as a Variant of Uncertain Significance.

Ambry Genetics
Classification: Uncertain significance for Cardiovascular phenotype. Last evaluated: 2022-10-02. Review status: criteria provided, single submitter. Criteria: Ambry Variant Classification Scheme 2023. Collection method: clinical testing. Allele origin: germline.
Comment: The p.V153M variant (also known as c.457G>A), located in coding exon 1 of the ALPK3 gene, results from a G to A substitution at nucleotide position 457. The valine at codon 153 is replaced by methionine, an amino acid with highly similar properties. This amino acid position is conserved. In addition, this alteration is predicted to be tolerated by in silico analysis. Since supporting evidence is limited at this time, the clinical significance of this alteration remains unclear.